The following is an entry in ClinVar:

NM_014249.4(NR2E3):c.324C>A (p.Cys108Ter)

Gene: NR2E3 (nuclear receptor subfamily 2 group E member 3; plus strand). Cytogenetic location: 15q23.
Variant type: single nucleotide variant.
Coding change: c.324C>A on transcript NM_014249.4 (MANE Select); coding-DNA position 324, C replaced by A.
Protein change: p.Cys108Ter; replaces cysteine 108 with a stop codon.
Molecular consequence: nonsense.
Genome position (GRCh38, 1-based): chr15:71,811,844, C>A. VCF-style: chr15-71811844-C-A. GRCh37 (hg19) VCF-style: chr15-72104184-C-A.
Other names: c.324C>A, p.Cys108Ter (NM_016346.4); short protein forms C108*.
Identifiers: ClinVar variation 1458927 (VCV001458927.6), dbSNP rs2140289140, ClinGen allele CA393032819.

ClinVar aggregate classification (germline): Pathogenic (1 of 4 stars; one submission).

Submission:

Labcorp Genetics (formerly Invitae), Labcorp
Classification: Pathogenic. Last evaluated: 2021-02-12. Review status: criteria provided, single submitter. Criteria: Invitae Variant Classification Sherloc (09022015). Collection method: clinical testing. Allele origin: germline.
Comment: For these reasons, this variant has been classified as Pathogenic. This variant has not been reported in the literature in individuals with NR2E3-related conditions. This variant is not present in population databases (ExAC no frequency). This sequence change creates a premature translational stop signal (p.Cys108*) in the NR2E3 gene. It is expected to result in an absent or disrupted protein product. Loss-of-function variants in NR2E3 are known to be pathogenic (PMID: 15459973, 27522502).

Literature cited by the submitters: PubMed 15459973; PubMed 27522502.